The following is an entry in ClinVar:

ClinVar aggregate classification (germline): Uncertain significance. Review status: criteria provided, single submitter (1 of 4 stars). 2 submissions from 2 submitters: Uncertain significance (1). 1 of the submissions does not count toward it. Last evaluated 2025-02-01.

Conditions:
Spinocerebellar ataxia type 28 (SCA28). Also called: Spinocerebellar Ataxia Type 28 (SCA28). Identifiers: Orphanet 101109, MedGen C1853249, MONDO:0012450, OMIM 610246.

Allele frequency attached by ClinVar (database versions not stated): gnomAD exomes below 0.00001.
gnomAD v4.1: 2 of 1,614,146 alleles (0.00012%); highest among the groups gnomAD compares: Non-Finnish European, 0.00017%; no homozygotes.

Submissions (2):

CeGaT Center for Human Genetics Tuebingen
Classification: Uncertain significance. Last evaluated: 2025-02-01. Review status: criteria provided, single submitter. Criteria: CeGaT Center For Human Genetics Tuebingen Variant Classification Criteria Version 2. Collection method: clinical testing. Allele origin: germline. Affected: yes. Observed: 1 variant allele.
Comment: AFG3L2: PM2

Clinical Genetics Laboratory, University Hospital Schleswig-Holstein
Classification: Uncertain significance for Spinocerebellar ataxia type 28. Last evaluated: 2021-10-05. Review status: no assertion criteria provided. Collection method: clinical testing. Allele origin: germline. Affected: yes. Not counted in ClinVar's aggregate classification.

NM_006796.3(AFG3L2):c.161T>G (p.Leu54Arg)

Gene: AFG3L2 (AFG3 like matrix AAA peptidase subunit 2; minus strand). Cytogenetic location: 18p11.21.
Variant type: single nucleotide variant.
Coding change: c.161T>G on transcript NM_006796.3 (MANE Select); coding-DNA position 161, T replaced by G.
Protein change: p.Leu54Arg; replaces leucine 54 with arginine.
Molecular consequence: missense variant.
Genome position (GRCh38, 1-based): chr18:12,371,645, A>C on the plus strand (T>G on the coding strand, the complement: AFG3L2 is on the minus strand). VCF-style: chr18-12371645-A-C. GRCh37 (hg19) VCF-style: chr18-12371644-A-C.
Other names: short protein forms L54R.
Identifiers: ClinVar variation 1326931 (VCV001326931.15), dbSNP rs2143234608, ClinGen allele CA401955330.
Genomic context (GRCh38, chr18:12,371,645, plus strand): 5'-CATTTACCTTTTGGGGGTCGAGAACAGAATCTTTGATAAGCAGCAATTATATCTGTCAAA[A>C]GAGAATTTCTGCTGGCCCTTGCTTGAGTTGTAACAAATCGGTAAAGCTGCAACAAGACAT-3'
Protein context (NP_006787.2, residues 44-64): TTQARASRNS[Leu54Arg]LTDIIAAYQR